The following is an entry in ClinVar:

ClinVar aggregate classification (germline): Uncertain significance (1 of 4 stars; one submission).

Conditions:
Hypertrophic cardiomyopathy. Also called: HYPERTROPHIC MYOCARDIOPATHY. Identifiers: Orphanet 217569, MedGen C0007194, MeSH D002312, MONDO:0005045, HP:0001639.

Submission:

Labcorp Genetics (formerly Invitae), Labcorp
Classification: Uncertain significance for Hypertrophic cardiomyopathy. Last evaluated: 2022-07-25. Review status: criteria provided, single submitter. Criteria: Invitae Variant Classification Sherloc (09022015). Collection method: clinical testing. Allele origin: germline.
Comment: Algorithms developed to predict the effect of missense changes on protein structure and function (SIFT, PolyPhen-2, Align-GVGD) all suggest that this variant is likely to be tolerated. In summary, the available evidence is currently insufficient to determine the role of this variant in disease. Therefore, it has been classified as a Variant of Uncertain Significance. This variant is found within a region of MYH7 between codons 181 and 937 that contains the majority of the myosin head domain. Missense variants in this region have been shown to be significantly overrepresented in individuals with hypertrophic cardiomyopathy (PMID: 27532257). This variant has not been reported in the literature in individuals affected with MYH7-related conditions. This variant is not present in population databases (gnomAD no frequency). This sequence change replaces glutamine, which is neutral and polar, with arginine, which is basic and polar, at codon 610 of the MYH7 protein (p.Gln610Arg).

Literature cited by the submitters: PubMed 27532257.

NM_000257.4(MYH7):c.1829A>G (p.Gln610Arg)

Gene: MYH7 (myosin heavy chain 7; minus strand). Cytogenetic location: 14q11.2.
Variant type: single nucleotide variant.
Coding change: c.1829A>G on transcript NM_000257.4 (MANE Select); coding-DNA position 1829, A replaced by G.
Protein change: p.Gln610Arg; replaces glutamine 610 with arginine.
Molecular consequence: missense variant.
Genome position (GRCh38, 1-based): chr14:23,427,644, T>C on the plus strand (A>G on the coding strand, the complement: MYH7 is on the minus strand). VCF-style: chr14-23427644-T-C. GRCh37 (hg19) VCF-style: chr14-23896853-T-C.
Other names: c.1829A>G, p.Gln610Arg (NM_001407004.1); short protein forms Q610R.
Identifiers: ClinVar variation 2088281 (VCV002088281.4), dbSNP rs2502296524, ClinGen allele CA389049730.